The following is an entry in ClinVar:

ClinVar aggregate classification (germline): Uncertain significance (1 of 4 stars; one submission).

gnomAD v4.1: 4 of 1,612,042 alleles (0.00025%); highest among the groups gnomAD compares: Non-Finnish European, 0.00034%; no homozygotes.

Submission:

Mayo Clinic Laboratories, Mayo Clinic
Classification: Uncertain significance. Last evaluated: 2025-01-22. Review status: criteria provided, single submitter. Criteria: ACMG Guidelines, 2015. Collection method: clinical testing. Allele origin: germline. Observed: 1 variant allele.
Comment: PM2_supporting

NM_001041.4(SI):c.4534A>G (p.Ile1512Val)

Gene: SI (sucrase-isomaltase; minus strand). Cytogenetic location: 3q26.1.
Variant type: single nucleotide variant.
Coding change: c.4534A>G on transcript NM_001041.4 (MANE Select); coding-DNA position 4534, A replaced by G.
Protein change: p.Ile1512Val; replaces isoleucine 1512 with valine.
Molecular consequence: missense variant.
Genome position (GRCh38, 1-based): chr3:164,998,546, T>C on the plus strand (A>G on the coding strand, the complement: SI is on the minus strand). VCF-style: chr3-164998546-T-C. GRCh37 (hg19) VCF-style: chr3-164716334-T-C.
Other names: p.Ile1512Val; short protein forms I1512V.
Identifiers: ClinVar variation 4540944 (VCV004540944.1).